The following is an entry in ClinVar:

ClinVar aggregate classification (germline): Likely benign. Review status: criteria provided, multiple submitters, no conflicts (2 of 4 stars). 4 submissions from 4 submitters: Likely benign (4). Last evaluated 2026-01-18.

Conditions:
Osteoporosis. Identifiers: MedGen C0029456, MONDO:0005298, OMIM 166710, HP:0000939.
Exudative vitreoretinopathy 1 (EVR1). Also called: CRISWICK-SCHEPENS SYNDROME; FEVR, AUTOSOMAL DOMINANT; Familial exudative vitreoretinopathy, autosomal dominant. Identifiers: Orphanet 891, Orphanet 90050, MedGen C1851402, MONDO:0007589, OMIM 133780.
Autosomal dominant osteopetrosis 1 (OPTA1). Also called: OSTEOPETROSIS, AUTOSOMAL DOMINANT, TYPE I. Identifiers: Orphanet 2783, MedGen C1843330, MONDO:0011877, OMIM 607634.
Bone mineral density quantitative trait locus 1 (BMND1). Identifiers: MedGen C1866079, OMIM 601884.
Worth disease. Also called: ENDOSTEAL HYPEROSTOSIS, AUTOSOMAL DOMINANT; Autosomal dominant osteosclerosis, Worth type; OSTEOSCLEROSIS, AUTOSOMAL DOMINANT. Identifiers: Orphanet 2790, MedGen C0432273, MONDO:0007764, OMIM 144750.
Exudative vitreoretinopathy 4 (EVR4). Identifiers: Orphanet 891, MedGen C1866176, MONDO:0011151, OMIM 601813.
Osteoporosis with pseudoglioma (OPPG). Also called: osteoporosis-pseudoglioma syndrome. Identifiers: Orphanet 2788, MedGen C0432252, MONDO:0009820, OMIM 259770.
Polycystic liver disease 4 with or without kidney cysts. Identifiers: MedGen C4693479, MONDO:0044327, OMIM 617875.
LRP5-related disorder. Also called: LRP5-related condition.

Allele frequency attached by ClinVar (database versions not stated): TOPMed 0.00004; gnomAD exomes 0.00005 and 0.00016; gnomAD 0.00008 and 0.00009; ExAC 0.00020.
gnomAD v4.1: 87 of 1,612,966 alleles (0.0054%); highest among the groups gnomAD compares: Admixed American, 0.048%; no homozygotes.

Submissions (4):

Labcorp Genetics (formerly Invitae), Labcorp
Classification: Likely benign. Last evaluated: 2026-01-18. Review status: criteria provided, single submitter. Criteria: Invitae Variant Classification Sherloc (09022015). Collection method: clinical testing. Allele origin: germline.

PreventionGenetics, part of Exact Sciences
Classification: Likely benign for LRP5-related condition. Last evaluated: 2025-03-03. Review status: criteria provided, single submitter. Criteria: ACMG Guidelines, 2015. Collection method: clinical testing. Allele origin: germline.
Comment: This variant is classified as likely benign based on ACMG/AMP sequence variant interpretation guidelines (Richards et al. 2015 PMID: 25741868, with internal and published modifications).

Blueprint Genetics
Classification: Likely benign. Last evaluated: 2023-11-02. Review status: criteria provided, single submitter. Criteria: ACMG Guidelines, 2015. Collection method: clinical testing. Allele origin: germline.

Fulgent Genetics
Classification: Likely benign for Exudative vitreoretinopathy 1; Worth disease; Osteoporosis; Osteoporosis with pseudoglioma; Exudative vitreoretinopathy 4; Bone mineral density quantitative trait locus 1; Autosomal dominant osteopetrosis 1; Polycystic liver disease 4 with or without kidney cysts. Last evaluated: 2021-09-15. Review status: criteria provided, single submitter. Criteria: ACMG Guidelines, 2015. Collection method: clinical testing. Allele origin: unknown.

NM_002335.4(LRP5):c.3870C>T (p.Ser1290=)

Gene: LRP5 (LDL receptor related protein 5; plus strand). Cytogenetic location: 11q13.2.
Variant type: single nucleotide variant.
Coding change: c.3870C>T on transcript NM_002335.4 (MANE Select); coding-DNA position 3870, C replaced by T.
Protein change: p.Ser1290=; no amino-acid change (serine 1290 retained).
Molecular consequence: synonymous variant.
Genome position (GRCh38, 1-based): chr11:68,433,708, C>T. VCF-style: chr11-68433708-C-T. GRCh37 (hg19) VCF-style: chr11-68201176-C-T.
Other names: c.3870C>T (NM_002335.3); c.2127C>T, p.Ser709= (NM_001291902.2).
Identifiers: ClinVar variation 1151162 (VCV001151162.12), dbSNP rs749656764, ClinGen allele CA6150137.